The following is an entry in ClinVar:

NM_001352702.2(PTK2):c.2907C>T (p.Tyr969=)

Gene: PTK2 (protein tyrosine kinase 2; minus strand). Cytogenetic location: 8q24.3.
Variant type: single nucleotide variant.
Coding change: c.2907C>T on transcript NM_001352702.2 (MANE Select); coding-DNA position 2907, C replaced by T.
Protein change: p.Tyr969=; no amino-acid change (tyrosine 969 retained).
Molecular consequence: synonymous variant. On other transcripts: non-coding transcript variant (4).
Genome position (GRCh38, 1-based): chr8:140,668,359, G>A on the plus strand (C>T on the coding strand, the complement: PTK2 is on the minus strand). VCF-style: chr8-140668359-G-A. GRCh37 (hg19) VCF-style: chr8-141678458-G-A.
Other names: c.2814C>T, p.Tyr938= (NM_001199649.2, NM_001352695.2); c.2484C>T, p.Tyr828= (NM_001316342.2, NM_001352696.2); c.2775C>T, p.Tyr925= (NM_001352694.2, NM_153831.4); c.2967C>T, p.Tyr989= (NM_001352697.2); c.2946C>T, p.Tyr982= (NM_001352698.2); c.2907C>T, p.Tyr969= (NM_001352699.2, NM_001352700.2, NM_001352701.2 and 1 more transcripts); c.2886C>T, p.Tyr962= (NM_001352704.2); c.2862C>T, p.Tyr954= (NM_001352705.2); and 34 more.
Identifiers: ClinVar variation 714382 (VCV000714382.28), dbSNP rs56114800, ClinGen allele CA4894927.
Genomic context (GRCh38, chr8:140,668,359, plus strand): 5'-GGCTGGCTGGATTTTACTGGACATCTCGATGACAGCTTTCACCAGGCCCGTCACATTCTC[G>A]TACACCTTATCATTCGACCGGTCCAGGTTGGCAGTAGGAGGGGGGCTGATTTCCTGGGGC-3'
Protein context (NP_001339631.1, residues 959-979): ANLDRSNDKV[Tyr969=]ENVTGLVKAV

ClinVar aggregate classification (germline): Benign. Review status: criteria provided, multiple submitters, no conflicts (2 of 4 stars). 3 submissions from 3 submitters: Benign (3). Last evaluated 2022-09-01.

Allele frequency attached by ClinVar (database versions not stated): gnomAD exomes 0.00040; ExAC 0.00044; gnomAD 0.00141 and 0.00151; TOPMed 0.00159; ESP Exome Variant Server 0.00169; 1000 Genomes Project 0.00180; 1000 Genomes Project 30x 0.00187.
gnomAD v4.1: 520 of 1,613,948 alleles (0.032%); highest among the groups gnomAD compares: African/African-American, 0.48%; 1 homozygote.

Submissions (3):

CeGaT Center for Human Genetics Tuebingen
Classification: Benign. Last evaluated: 2022-09-01. Review status: criteria provided, single submitter. Criteria: CeGaT Center For Human Genetics Tuebingen Variant Classification Criteria Version 2. Collection method: clinical testing. Allele origin: germline. Affected: yes. Observed: 1 variant allele.
Comment: PTK2: BS1, BS2

Labcorp Genetics (formerly Invitae), Labcorp
Classification: Benign. Last evaluated: 2018-08-16. Review status: criteria provided, single submitter. Criteria: Invitae Variant Classification Sherloc (09022015). Collection method: clinical testing. Allele origin: germline.

Breakthrough Genomics
Classification: Benign. Review status: criteria provided, single submitter. Criteria: ACMG Guidelines, 2015. Collection method: not provided. Allele origin: germline. Inheritance: Unknown mechanism. Affected: yes.